The following is an entry in ClinVar:

NM_000784.4(CYP27A1):c.1162G>A (p.Ala388Thr)

Gene: CYP27A1 (cytochrome P450 family 27 subfamily A member 1; plus strand). Cytogenetic location: 2q35.
Variant type: single nucleotide variant.
Coding change: c.1162G>A on transcript NM_000784.4 (MANE Select); coding-DNA position 1162, G replaced by A.
Protein change: p.Ala388Thr; replaces alanine 388 with threonine.
Molecular consequence: missense variant.
Genome position (GRCh38, 1-based): chr2:218,814,165, G>A. VCF-style: chr2-218814165-G-A. GRCh37 (hg19) VCF-style: chr2-219678888-G-A.
Other names: short protein forms A388T.
Identifiers: ClinVar variation 1376283 (VCV001376283.6), dbSNP rs1201958431, ClinGen allele CA350592586.

ClinVar aggregate classification (germline): Uncertain significance (1 of 4 stars; one submission).

Conditions:
Cholestanol storage disease (CTX). Also called: CEREBRAL CHOLESTERINOSIS; Cerebrotendinous Xanthomatosis; CTX: Cerebrotendinous xanthomatosis. Identifiers: Orphanet 909, MedGen C0238052, MONDO:0008948, OMIM 213700.

Allele frequency attached by ClinVar (database versions not stated): TOPMed below 0.00001; gnomAD exomes 0.00001.
gnomAD v4.1: 3 of 1,614,268 alleles (0.00019%); highest among the groups gnomAD compares: Admixed American, 0.005%; no homozygotes.

Submission:

Labcorp Genetics (formerly Invitae), Labcorp
Classification: Uncertain significance for Cholestanol storage disease. Last evaluated: 2022-07-19. Review status: criteria provided, single submitter. Criteria: Invitae Variant Classification Sherloc (09022015). Collection method: clinical testing. Allele origin: germline.
Comment: In summary, the available evidence is currently insufficient to determine the role of this variant in disease. Therefore, it has been classified as a Variant of Uncertain Significance. Algorithms developed to predict the effect of missense changes on protein structure and function are either unavailable or do not agree on the potential impact of this missense change (SIFT: "Deleterious"; PolyPhen-2: "Probably Damaging"; Align-GVGD: "Class C0"). ClinVar contains an entry for this variant (Variation ID: 1376283). This variant has not been reported in the literature in individuals affected with CYP27A1-related conditions. This variant is present in population databases (no rsID available, gnomAD 0.009%). This sequence change replaces alanine, which is neutral and non-polar, with threonine, which is neutral and polar, at codon 388 of the CYP27A1 protein (p.Ala388Thr).